The following is an entry in ClinVar:

NM_001330588.2(TPP2):c.2677C>T (p.Arg893Cys)

Gene: TPP2 (tripeptidyl peptidase 2; plus strand). Cytogenetic location: 13q33.1.
Variant type: single nucleotide variant.
Coding change: c.2677C>T on transcript NM_001330588.2 (MANE Select); coding-DNA position 2677, C replaced by T.
Protein change: p.Arg893Cys; replaces arginine 893 with cysteine.
Molecular consequence: missense variant. On other transcripts: non-coding transcript variant (1).
Genome position (GRCh38, 1-based): chr13:102,648,955, C>T. VCF-style: chr13-102648955-C-T. GRCh37 (hg19) VCF-style: chr13-103301305-C-T.
Other names: p.Arg893Cys; c.2677C>T, p.Arg893Cys (LRG_1341t1, NM_001367947.1, NM_003291.4); short protein forms R893C.
Identifiers: ClinVar variation 544305 (VCV000544305.6), dbSNP rs201933080, ClinGen allele CA255166022.

ClinVar aggregate classification (germline): Uncertain significance. Review status: criteria provided, multiple submitters, no conflicts (2 of 4 stars). 2 submissions from 2 submitters: Uncertain significance (2). Last evaluated 2025-05-21.

Conditions:
Evans syndrome, immunodeficiency, and premature immunosenescence associated with tripeptidyl-peptidase II deficiency. Identifiers: MedGen CN231723. Disease mechanism: loss of function.

Allele frequency attached by ClinVar (database versions not stated): gnomAD exomes 0.00001.
gnomAD v4.1: 12 of 1,612,284 alleles (0.00074%); highest among the groups gnomAD compares: Non-Finnish European, 0.00085%; no homozygotes.

Submissions (2):

Mayo Clinic Laboratories, Mayo Clinic
Classification: Uncertain significance. Last evaluated: 2025-05-21. Review status: criteria provided, single submitter. Criteria: ACMG Guidelines, 2015. Collection method: clinical testing. Allele origin: germline. Observed: 1 variant allele.
Comment: PM2_supporting, PM3_strong

Labcorp Genetics (formerly Invitae), Labcorp
Classification: Uncertain significance for Evans syndrome, immunodeficiency, and premature immunosenescence associated with tripeptidyl-peptidase II deficiency. Last evaluated: 2022-10-25. Review status: criteria provided, single submitter. Criteria: Invitae Variant Classification Sherloc (09022015). Collection method: clinical testing. Allele origin: germline.
Comment: This sequence change replaces arginine, which is basic and polar, with cysteine, which is neutral and slightly polar, at codon 893 of the TPP2 protein (p.Arg893Cys). This variant is present in population databases (rs201933080, gnomAD 0.006%). This variant has not been reported in the literature in individuals affected with TPP2-related conditions. ClinVar contains an entry for this variant (Variation ID: 544305). Algorithms developed to predict the effect of missense changes on protein structure and function (SIFT, PolyPhen-2, Align-GVGD) all suggest that this variant is likely to be disruptive. In summary, the available evidence is currently insufficient to determine the role of this variant in disease. Therefore, it has been classified as a Variant of Uncertain Significance.